The following is an entry in ClinVar:

NM_001843.4(CNTN1):c.1762A>G (p.Ile588Val)

Gene: CNTN1 (contactin 1; plus strand). Cytogenetic location: 12q12.
Variant type: single nucleotide variant.
Coding change: c.1762A>G on transcript NM_001843.4 (MANE Select); coding-DNA position 1762, A replaced by G.
Protein change: p.Ile588Val; replaces isoleucine 588 with valine.
Molecular consequence: missense variant.
Genome position (GRCh38, 1-based): chr12:40,959,192, A>G. VCF-style: chr12-40959192-A-G. GRCh37 (hg19) VCF-style: chr12-41352994-A-G.
Other names: c.1762A>G, p.Ile588Val (NM_001256063.2, NM_001256064.2); c.1729A>G, p.Ile577Val (NM_175038.2); short protein forms I577V, I588V.
Identifiers: ClinVar variation 834537 (VCV000834537.10), dbSNP rs555223029, ClinGen allele CA6516929.

ClinVar aggregate classification (germline): Uncertain significance (1 of 4 stars; one submission).

Conditions:
Compton-North congenital myopathy (CMYO12). Identifiers: Orphanet 210163, MedGen C2675527, MONDO:0012929, OMIM 612540.

Allele frequency attached by ClinVar (database versions not stated): ExAC 0.00001; gnomAD 0.00001; 1000 Genomes Project 30x 0.00016; 1000 Genomes Project 0.00020.
gnomAD v4.1: 1 of 1,612,798 alleles (0.000062%); highest among the groups gnomAD compares: East Asian, 0.0022%; no homozygotes.

Submission:

Labcorp Genetics (formerly Invitae), Labcorp
Classification: Uncertain significance for Compton-North congenital myopathy. Last evaluated: 2022-07-05. Review status: criteria provided, single submitter. Criteria: Invitae Variant Classification Sherloc (09022015). Collection method: clinical testing. Allele origin: germline.
Comment: In summary, the available evidence is currently insufficient to determine the role of this variant in disease. Therefore, it has been classified as a Variant of Uncertain Significance. Algorithms developed to predict the effect of sequence changes on RNA splicing suggest that this variant may create or strengthen a splice site. Advanced modeling of protein sequence and biophysical properties (such as structural, functional, and spatial information, amino acid conservation, physicochemical variation, residue mobility, and thermodynamic stability) performed at Invitae indicates that this missense variant is not expected to disrupt CNTN1 protein function. ClinVar contains an entry for this variant (Variation ID: 834537). This variant has not been reported in the literature in individuals affected with CNTN1-related conditions. This variant is present in population databases (rs555223029, gnomAD 0.006%). This sequence change replaces isoleucine, which is neutral and non-polar, with valine, which is neutral and non-polar, at codon 588 of the CNTN1 protein (p.Ile588Val).